The following is an entry in ClinVar:

ClinVar aggregate classification (germline): Uncertain significance (1 of 4 stars; one submission).

Conditions:
Mitochondrial complex II deficiency, nuclear type 1. Also called: SUCCINATE CoQ REDUCTASE DEFICIENCY. Identifiers: Orphanet 3208, MedGen C5700310, MONDO:0100294, OMIM 252011.
Pheochromocytoma/paraganglioma syndrome 5. Also called: Paragangliomas 5; SDHA-Related Hereditary Paraganglioma-Pheochromocytoma Syndrome. Identifiers: Orphanet 29072, MedGen C3279992, MONDO:0013602, OMIM 614165.

Submission:

Labcorp Genetics (formerly Invitae), Labcorp
Classification: Uncertain significance for Pheochromocytoma/paraganglioma syndrome 5; Mitochondrial complex II deficiency, nuclear type 1. Last evaluated: 2024-11-22. Review status: criteria provided, single submitter. Criteria: Invitae Variant Classification Sherloc (09022015). Collection method: clinical testing. Allele origin: germline.
Comment: This sequence change replaces alanine, which is neutral and non-polar, with threonine, which is neutral and polar, at codon 186 of the SDHA protein (p.Ala186Thr). This variant is not present in population databases (gnomAD no frequency). This variant has not been reported in the literature in individuals affected with SDHA-related conditions. Invitae Evidence Modeling of protein sequence and biophysical properties (such as structural, functional, and spatial information, amino acid conservation, physicochemical variation, residue mobility, and thermodynamic stability) has been performed for this missense variant. However, the output from this modeling did not meet the statistical confidence thresholds required to predict the impact of this variant on SDHA protein function. In summary, the available evidence is currently insufficient to determine the role of this variant in disease. Therefore, it has been classified as a Variant of Uncertain Significance.

NM_004168.4(SDHA):c.556G>A (p.Ala186Thr)

Gene: SDHA (succinate dehydrogenase complex flavoprotein subunit A; plus strand). Cytogenetic location: 5p15.33.
Variant type: single nucleotide variant.
Coding change: c.556G>A on transcript NM_004168.4 (MANE Select); coding-DNA position 556, G replaced by A.
Protein change: p.Ala186Thr; replaces alanine 186 with threonine.
Molecular consequence: missense variant.
Genome position (GRCh38, 1-based): chr5:225,982, G>A. VCF-style: chr5-225982-G-A. GRCh37 (hg19) VCF-style: chr5-226097-G-A.
Other names: c.412G>A, p.Ala138Thr (NM_001294332.2); c.556G>A, p.Ala186Thr (NM_001330758.2); short protein forms A138T, A186T.
Identifiers: ClinVar variation 3754186 (VCV003754186.2).
Genomic context (GRCh38, chr5:225,982, plus strand): 5'-GGGAAGATTTATCAGCGTGCATTTGGTGGACAGAGCCTCAAGTTTGGAAAGGGCGGGCAG[G>A]CCCATCGGTGCTGCTGTGTGGCTGATCGGACTGGCCACTCGCTATTGCACACCTTATATG-3'
Protein context (NP_004159.2, residues 176-196): QSLKFGKGGQ[Ala186Thr]HRCCCVADRT